The following is an entry in ClinVar:

ClinVar aggregate classification (germline): Likely benign (1 of 4 stars; one submission).

gnomAD v4.1: 20,174 of 1,561,492 alleles (1.3%); highest among the groups gnomAD compares: Non-Finnish European, 1.2%; 5 homozygotes.

Submission:

CeGaT Center for Human Genetics Tuebingen
Classification: Likely benign. Last evaluated: 2025-12-01. Review status: criteria provided, single submitter. Criteria: CeGaT Center For Human Genetics Tuebingen Variant Classification Criteria Version 2. Collection method: clinical testing. Allele origin: germline. Affected: yes. Observed: 1 variant allele.
Comment: MUC5B: BP4, BS1

NM_002458.3(MUC5B):c.11746C>G (p.Pro3916Ala)

Genes: MUC5B (mucin 5B, oligomeric mucus/gel-forming; plus strand), MUC5B-AS1 (MUC5B antisense RNA 1; minus strand). Cytogenetic location: 11p15.5.
Variant type: single nucleotide variant.
Coding change: c.11746C>G on transcript NM_002458.3 (MANE Select); coding-DNA position 11746, C replaced by G.
Protein change: p.Pro3916Ala; replaces proline 3916 with alanine.
Molecular consequence: missense variant.
Genome position (GRCh38, 1-based): chr11:1,248,626, C>G. VCF-style: chr11-1248626-C-G. GRCh37 (hg19) VCF-style: chr11-1269856-C-G.
Other names: short protein forms P3916A.
Identifiers: ClinVar variation 3387970 (VCV003387970.14).